The following is an entry in ClinVar:

ClinVar aggregate classification (germline): Pathogenic/Likely pathogenic. Review status: criteria provided, multiple submitters, no conflicts (2 of 4 stars). 2 submissions from 2 submitters: Pathogenic (1); Likely pathogenic (1). Last evaluated 2025-12-15.

Conditions:
Birt-Hogg-Dube syndrome. Also called: Birt Hogg Dubé syndrome. Identifiers: Orphanet 122, MedGen C0346010, MONDO:0800444.
Hereditary cancer-predisposing syndrome. Also called: Tumor predisposition; Neoplastic Syndromes, Hereditary; Hereditary Cancer Syndrome; Hereditary neoplastic syndrome. Identifiers: Orphanet 140162, MedGen C0027672, MeSH D009386, MONDO:0015356.

Submissions (2):

Labcorp Genetics (formerly Invitae), Labcorp
Classification: Pathogenic for Birt-Hogg-Dube syndrome. Last evaluated: 2025-12-15. Review status: criteria provided, single submitter. Criteria: Invitae Variant Classification Sherloc (09022015). Collection method: clinical testing. Allele origin: germline.
Comment: This sequence change is expected to alter the c-terminus of the FLCN protein (p.Leu539Profs*63). While this is not anticipated to result in nonsense mediated decay, it is expected to disrupt the last 41 amino acid(s) of the FLCN protein and extend the protein by 21 additional amino acid residues. This variant is not present in population databases (gnomAD no frequency). This variant has not been reported in the literature in individuals affected with FLCN-related conditions. ClinVar contains an entry for this variant (Variation ID: 1776474). This variant disrupts a region of the FLCN protein in which other variant(s) (p.Trp553*) have been determined to be pathogenic (PMID: 28558743; internal data). This suggests that this is a clinically significant region of the protein, and that variants that disrupt it are likely to be disease-causing. For these reasons, this variant has been classified as Pathogenic.

Ambry Genetics
Classification: Likely pathogenic for Hereditary cancer-predisposing syndrome. Last evaluated: 2021-01-12. Review status: criteria provided, single submitter. Criteria: Ambry Variant Classification Scheme 2023. Collection method: clinical testing. Allele origin: germline.
Comment: The c.1615dupC variant, located in coding exon 11 of the FLCN gene, results from a duplication of C at nucleotide position 1615, causing a translational frameshift with a predicted alternate stop codon (p.L539Pfs*63). This frameshift occurs at the 3' end of FLCN, is not expected to trigger nonsense-mediated mRNA decay, impacts only the last 7%/41 amino acids of the protein, and elongates the FLCN protein by 21 amino acids. Frameshifts are typically deleterious in nature and there are multiple similar alterations classified as pathogenic including FLCN c. 1597_1598delCA (p.Q533Efs*68) and FLCN c.1579_1580insA (p.R527Qfs*75) (Ambry Internal Data; Furuya M et al. Am J Surg Pathol, 2012 Apr;36:589-600; Yang CY et al. J Postgrad Med;59:321-3; Liu L et al. Biomed Res Int, 2017 Jul;2017:8751384; Hou X et al. BMC Med Genet, 2018 01;19:14). This variant was not reported in population-based cohorts in the Genome Aggregation Database (gnomAD). Based on the majority of available evidence to date, this variant is likely to be pathogenic.

Literature cited by the submitters: PubMed 28558743 (cited by Labcorp Genetics (formerly Invitae), Labcorp).

NM_144997.7(FLCN):c.1615dup (p.Leu539fs)

Gene: FLCN (folliculin; minus strand). Cytogenetic location: 17p11.2.
Variant type: Duplication.
Coding change: c.1615dup on transcript NM_144997.7 (MANE Select); coding-DNA position 1615, one base duplicated (C; older notation c.1615dupC).
Protein change: p.Leu539fs; shifts the reading frame from leucine 539.
Molecular consequence: frameshift variant.
Genome position (GRCh38, 1-based): chr17:17,213,780, G duplicated on the plus strand (C on the coding strand, the reverse complement: FLCN is on the minus strand); the first of 2 consecutive G bases (chr17:17,213,780-17,213,781); duplicating either gives the same sequence. VCF-style (leftmost placement, unchanged base first): chr17-17213779-A-AG. GRCh37 (hg19) VCF-style: chr17-17117093-A-AG.
Other names: c.1669dup, p.Leu557fs (NM_001353229.2); c.1615dup, p.Leu539fs (NM_001353230.2, NM_001353231.2); c.1615dupC (NM_144997.5); short protein forms L557fs, L539fs.
Identifiers: ClinVar variation 1776474 (VCV001776474.5), dbSNP rs2544124546, ClinGen allele CA2580092683.
Genomic context (GRCh38, chr17:17,213,779, plus strand): 5'-TTGCTCAGGCCAGTCATCCAGAACTTCAGCAGCTTGACATTGTCCTCCTCGGACGCACCC[A>AG]GGATGCTCAGCAGCTTCTGTGTGTCCTCTTTGGGTCGACTGTCCACCTTGGTGAACTTAA-3'